The following is an entry in ClinVar:

NM_005670.4(EPM2A):c.209A>T (p.Glu70Val)

Genes: EPM2A (EPM2A glucan phosphatase, laforin; minus strand), EPM2A-DT (EPM2A divergent transcript; plus strand), LOC129997381 (ATAC-STARR-seq lymphoblastoid silent region 17642; plus strand). Cytogenetic location: 6q24.3.
Variant type: single nucleotide variant.
Coding change: c.209A>T on transcript NM_005670.4 (MANE Select); coding-DNA position 209, A replaced by T.
Protein change: p.Glu70Val; replaces glutamic acid 70 with valine.
Molecular consequence: missense variant. On other transcripts: 5 prime UTR variant (3), intron variant (1).
Genome position (GRCh38, 1-based): chr6:145,735,290, T>A on the plus strand (A>T on the coding strand, the complement: EPM2A is on the minus strand). VCF-style: chr6-145735290-T-A. GRCh37 (hg19) VCF-style: chr6-146056426-T-A.
Other names: p.E70V:GAG>GTG; c.209A>T, p.Glu70Val (NM_001018041.2, NM_001360057.2, NM_001368130.1); c.-461A>T (NM_001360071.2); c.-415A>T (NM_001368129.2); c.-159A>T (NM_001368131.1); c.-114+618A>T (NM_001360064.2); short protein forms E70V.
Identifiers: ClinVar variation 205433 (VCV000205433.8), dbSNP rs796052426, ClinGen allele CA314498.

ClinVar aggregate classification (germline): Uncertain significance. Review status: criteria provided, multiple submitters, no conflicts (2 of 4 stars). 3 submissions from 3 submitters: Uncertain significance (3). Last evaluated 2024-03-25.

Conditions:
Myoclonic epilepsy of Lafora 1 (MELF1). Also called: EPILEPSY, PROGRESSIVE MYOCLONIC, 2A; EPM2A-Related Lafora Disease; LAFORA DISEASE 1; Epilepsy, progressive myoclonic 2A (Lafora). Identifiers: MedGen CN377204, MONDO:0958199, OMIM 254780.

Allele frequency attached by ClinVar (database versions not stated): gnomAD exomes 0.00002.
gnomAD v4.1: 7 of 1,452,894 alleles (0.00048%); highest among the groups gnomAD compares: South Asian, 0.0088%; no homozygotes.

Submissions (3):

Genomic Medicine Center of Excellence, King Faisal Specialist Hospital and Research Centre
Classification: Uncertain significance for Myoclonic epilepsy of Lafora 1. Last evaluated: 2024-03-25. Review status: criteria provided, single submitter. Criteria: ACMG Guidelines, 2015. Collection method: clinical testing. Allele origin: germline.

Mayo Clinic Laboratories, Mayo Clinic
Classification: Uncertain significance. Last evaluated: 2019-04-07. Review status: criteria provided, single submitter. Criteria: ACMG Guidelines, 2015. Collection method: clinical testing. Allele origin: germline. Observed: 1 variant allele.

GeneDx
Classification: Uncertain significance. Last evaluated: 2014-07-01. Review status: criteria provided, single submitter. Criteria: GeneDx Variant Classification (06012015). Collection method: clinical testing. Allele origin: germline. Affected: yes.
Comment: p.Glu70Val (GAG>GTG): c.209 A>T in exon 1 of the EPM2A gene (NM_005670.3). The E70V variant has not been published as a mutation, nor has it been reported as a benign polymorphism to our knowledge. It was not observed in approximately 6,100 individuals of European and African American ancestry in the NHLBI Exome Sequencing Project, indicating it is not a common benign variant in these populations. The E70V variant is a non-conservative amino acid substitution, which is likely to impact secondary protein structure as these residues differ in polarity, charge, size and/or other properties. However, this substitution occurs at a position that is not conserved across species, and missense mutations in nearby residues have not been reported in association with LD. In silico analysis is inconsistent in its predictions as to whether or not the variant is damaging to the protein structure/function. Therefore, based on the currently available information, it is unclear whether this variant is a pathogenic mutation or a rare benign variant. Regardless of the clinical significance of E70V, the finding of apparent homozygosity for the E56X mutation is consistent with a diagnosis of LD. The variant is found in EPILEPSY,PME-EPI panel(s).